The following is an entry in ClinVar:

ClinVar aggregate classification (germline): Conflicting classifications of pathogenicity. Review status: criteria provided, conflicting classifications (1 of 4 stars). 2 submissions from 2 submitters: Uncertain significance (1); Likely benign (1). Last evaluated 2025-08-30.

Conditions:
Inborn genetic diseases. Identifiers: MedGen C0950123, MeSH D030342.
Neuronal ceroid lipofuscinosis 11. Also called: GRN-Related Neuronal Ceroid-Lipofuscinosis. Identifiers: Orphanet 314629, Orphanet 79262, MedGen C3539123, MONDO:0013866, OMIM 614706.
GRN-related frontotemporal lobar degeneration with Tdp43 inclusions (FTD2). Also called: DEMENTIA, HEREDITARY DYSPHASIC DISINHIBITION; FRONTOTEMPORAL LOBAR DEGENERATION WITH UBIQUITIN-POSITIVE INCLUSIONS; FTLD-TDP, GRN-RELATED; GRN Frontotemporal Dementia; FRONTOTEMPORAL DEMENTIA WITH TDP43 INCLUSIONS, GRN-RELATED. Identifiers: Orphanet 100070, Orphanet 282, MedGen C1843792, MONDO:0011842, OMIM 607485. Disease mechanism: loss of function.

Allele frequency attached by ClinVar (database versions not stated): gnomAD 0.00001; gnomAD exomes 0.00001; TOPMed 0.00001.
gnomAD v4.1: 18 of 1,611,484 alleles (0.0011%); highest among the groups gnomAD compares: Admixed American, 0.0033%; no homozygotes.

Submissions (2):

Ambry Genetics
Classification: Likely benign for Inborn genetic diseases. Last evaluated: 2025-08-30. Review status: criteria provided, single submitter. Criteria: Ambry Variant Classification Scheme 2023. Collection method: clinical testing. Allele origin: germline.

Labcorp Genetics (formerly Invitae), Labcorp
Classification: Uncertain significance for Neuronal ceroid lipofuscinosis 11; GRN-related frontotemporal lobar degeneration with Tdp43 inclusions. Last evaluated: 2025-08-04. Review status: criteria provided, single submitter. Criteria: Invitae Variant Classification Sherloc (09022015). Collection method: clinical testing. Allele origin: germline.
Comment: This sequence change replaces proline, which is neutral and non-polar, with leucine, which is neutral and non-polar, at codon 578 of the GRN protein (p.Pro578Leu). This variant is present in population databases (no rsID available, gnomAD 0.003%). This variant has not been reported in the literature in individuals affected with GRN-related conditions. ClinVar contains an entry for this variant (Variation ID: 2140721). An algorithm developed to predict the effect of missense changes on protein structure and function outputs the following: PolyPhen-2: "Benign". The leucine amino acid residue is found in multiple mammalian species, which suggests that this missense change does not adversely affect protein function. In summary, the available evidence is currently insufficient to determine the role of this variant in disease. Therefore, it has been classified as a Variant of Uncertain Significance.

NM_002087.4(GRN):c.1733C>T (p.Pro578Leu)

Gene: GRN (granulin precursor; plus strand). Cytogenetic location: 17q21.31.
Variant type: single nucleotide variant.
Coding change: c.1733C>T on transcript NM_002087.4 (MANE Select); coding-DNA position 1733, C replaced by T.
Protein change: p.Pro578Leu; replaces proline 578 with leucine.
Molecular consequence: missense variant.
Genome position (GRCh38, 1-based): chr17:44,352,749, C>T. VCF-style: chr17-44352749-C-T. GRCh37 (hg19) VCF-style: chr17-42430117-C-T.
Other names: short protein forms P578L.
Identifiers: ClinVar variation 2140721 (VCV002140721.5), dbSNP rs914538363, ClinGen allele CA290927364.
Genomic context (GRCh38, chr17:44,352,749, plus strand): 5'-GCTGTCCTGCTGGCTTCCGCTGCGCAGCCAGGGGTACCAAGTGTTTGCGCAGGGAGGCCC[C>T]GCGCTGGGACGCCCCTTTGAGGGACCCAGCCTTGAGACAGCTGCTGTGAGGGACAGTACT-3'
Protein context (NP_002078.1, residues 568-588): RGTKCLRREA[Pro578Leu]RWDAPLRDPA